The following is an entry in ClinVar:

ClinVar aggregate classification (germline): Benign/Likely benign. Review status: criteria provided, multiple submitters, no conflicts (2 of 4 stars). 14 submissions from 13 submitters: Benign (10); Likely benign (1). 3 of the submissions do not count toward it. Last evaluated 2026-01-27.

Conditions:
Hypercholesterolemia, autosomal dominant, type B (FHCL2). Also called: Familial Hypercholesterolemia Type B; APOLIPOPROTEIN B-100, FAMILIAL DEFECTIVE; APOLIPOPROTEIN B-100, FAMILIAL LIGAND-DEFECTIVE; HYPERCHOLESTEROLEMIA, FAMILIAL, DUE TO LIGAND-DEFECTIVE APOLIPOPROTEIN B; APOB-Related Familial Hypercholesterolemia, Autosomal Dominant; Familial hypercholesterolemia 2. Identifiers: MedGen C1704417, MONDO:0007751, OMIM 144010.
Familial hypobetalipoproteinemia 1. Also called: Hypobetalipoproteinemia, normotriglyceridemic; Acanthocytosis with hypobetalipoproteinemia; APOB-Related Familial Hypobetalipoproteinemia. Identifiers: MedGen C4551990, MONDO:0014252, OMIM 615558.
Cardiovascular phenotype. Identifiers: MedGen CN230736.
Familial hypercholesterolemia. Also called: Familial hypercholesterolemias; Familial hypercholesterolaemia. Identifiers: MedGen C0020445, MONDO:0005439.

Allele frequency attached by ClinVar (database versions not stated): ESP Exome Variant Server 0.00477; gnomAD 0.00580; TOPMed 0.00656; 1000 Genomes Project 0.00998; 1000 Genomes Project 30x 0.01062.

Submissions (14):

Labcorp Genetics (formerly Invitae), Labcorp
Classification: Benign for Familial hypobetalipoproteinemia 1; Hypercholesterolemia, autosomal dominant, type B. Last evaluated: 2026-01-27. Review status: criteria provided, single submitter. Criteria: Invitae Variant Classification Sherloc (09022015). Collection method: clinical testing. Allele origin: germline.

Molecular Diagnostic Laboratory for Inherited Cardiovascular Disease, Montreal Heart Institute
Classification: Benign. Last evaluated: 2025-04-09. Review status: criteria provided, single submitter. Criteria: ACMG Guidelines, 2015. Collection method: clinical testing. Allele origin: germline. Affected: no.
Comment: BS1;BP6;BP7

Blueprint Genetics
Classification: Likely benign. Last evaluated: 2024-11-13. Review status: criteria provided, single submitter. Criteria: ACMG Guidelines, 2015. Collection method: clinical testing. Allele origin: germline.

ARUP Laboratories, Molecular Genetics and Genomics, ARUP Laboratories
Classification: Benign. Last evaluated: 2024-08-08. Review status: criteria provided, single submitter. Criteria: ARUP Molecular Germline Variant Investigation Process 2024. Collection method: clinical testing. Allele origin: germline.

Quest Diagnostics Nichols Institute San Juan Capistrano
Classification: Benign. Last evaluated: 2023-09-21. Review status: criteria provided, single submitter. Criteria: Quest Diagnostics criteria. Collection method: clinical testing. Allele origin: unknown.

GENinCode PLC
Classification: Benign for Familial hypercholesterolemia. Last evaluated: 2022-10-11. Review status: criteria provided, single submitter. Criteria: ACMG Guidelines, 2015. Collection method: clinical testing. Allele origin: germline.

Illumina Laboratory Services, Illumina
Classification: Benign for Familial hypobetalipoproteinemia 1. Last evaluated: 2018-11-20. Review status: criteria provided, single submitter. Criteria: ICSL Variant Classification Criteria 13 December 2019. Collection method: clinical testing. Allele origin: germline.
Comment: This variant was observed as part of a predisposition screen in an ostensibly healthy population. A literature search was performed for the gene, cDNA change, and amino acid change (where applicable). No publications were found based on this search. Allele frequency data from public databases was too high to be consistent with this variant causing disease. Therefore, this variant is classified as benign.

Illumina Laboratory Services, Illumina
Classification: Benign for Hypercholesterolemia, autosomal dominant, type B. Last evaluated: 2018-11-20. Review status: criteria provided, single submitter. Criteria: ICSL Variant Classification Criteria 13 December 2019. Collection method: clinical testing. Allele origin: germline.
Comment: the same text as in the submission from Illumina Laboratory Services, Illumina above.

GeneDx
Classification: Benign. Last evaluated: 2018-07-24. Review status: criteria provided, single submitter. Criteria: GeneDx Variant Classification Process June 2021. Collection method: clinical testing. Allele origin: germline. Affected: yes.

Color Diagnostics, LLC DBA Color Health
Classification: Benign for Familial hypercholesterolemias. Last evaluated: 2017-07-10. Review status: criteria provided, single submitter. Criteria: ACMG Guidelines, 2015. Collection method: clinical testing. Allele origin: germline.

Ambry Genetics
Classification: Benign for Cardiovascular phenotype. Last evaluated: 2016-03-23. Review status: criteria provided, single submitter. Criteria: Ambry Variant Classification Scheme 2023. Collection method: clinical testing. Allele origin: germline.

Clinical Genetics DNA and cytogenetics Diagnostics Lab, Erasmus MC, Erasmus Medical Center
Classification: Benign. Review status: no assertion criteria provided. Collection method: clinical testing. Allele origin: germline. Affected: yes. Study: VKGL Data-share Consensus. Not counted in ClinVar's aggregate classification.

Clinical Genetics, Academic Medical Center
Classification: Benign. Review status: no assertion criteria provided. Collection method: clinical testing. Allele origin: germline. Affected: yes. Study: VKGL Data-share Consensus. Not counted in ClinVar's aggregate classification.

Diagnostic Laboratory, Department of Genetics, University Medical Center Groningen
Classification: Likely benign. Review status: no assertion criteria provided. Collection method: clinical testing. Allele origin: germline. Affected: yes. Study: VKGL Data-share Consensus. Not counted in ClinVar's aggregate classification.

NM_000384.3(APOB):c.129G>C (p.Ala43=)

Genes: APOB (apolipoprotein B; minus strand), LOC106560211 (APOB 5' regulatory region; plus strand). Cytogenetic location: 2p24.1.
Variant type: single nucleotide variant.
Coding change: c.129G>C on transcript NM_000384.3 (MANE Select); coding-DNA position 129, G replaced by C.
Protein change: p.Ala43=; no amino-acid change (alanine 43 retained).
Molecular consequence: synonymous variant.
Genome position (GRCh38, 1-based): chr2:21,042,469, C>G on the plus strand (G>C on the coding strand, the complement: APOB is on the minus strand). VCF-style: chr2-21042469-C-G. GRCh37 (hg19) VCF-style: chr2-21265341-C-G.
Identifiers: ClinVar variation 334189 (VCV000334189.33), dbSNP rs12720850, ClinGen allele CA051670.